The following is an entry in ClinVar:

ClinVar aggregate classification (germline): Uncertain significance. Review status: criteria provided, multiple submitters, no conflicts (2 of 4 stars). 2 submissions from 2 submitters: Uncertain significance (2). Last evaluated 2022-11-17.

Conditions:
Inborn genetic diseases. Identifiers: MedGen C0950123, MeSH D030342.

Allele frequency attached by ClinVar (database versions not stated): gnomAD exomes below 0.00001; ExAC 0.00001; gnomAD 0.00001; TOPMed 0.00002.
gnomAD v4.1: 12 of 1,610,368 alleles (0.00075%); highest among the groups gnomAD compares: African/African-American, 0.0013%; no homozygotes.

Submissions (2):

Ambry Genetics
Classification: Uncertain significance for Inborn genetic diseases. Last evaluated: 2022-11-17. Review status: criteria provided, single submitter. Criteria: Ambry Variant Classification Scheme 2023. Collection method: clinical testing. Allele origin: germline.

Labcorp Genetics (formerly Invitae), Labcorp
Classification: Uncertain significance. Last evaluated: 2021-04-28. Review status: criteria provided, single submitter. Criteria: Invitae Variant Classification Sherloc (09022015). Collection method: clinical testing. Allele origin: germline.
Comment: This sequence change replaces proline with leucine at codon 732 of the COL18A1 protein (p.Pro732Leu). There is a moderate physicochemical difference between proline and leucine. This variant is present in population databases (rs760617633, ExAC 0.002%). This variant has not been reported in the literature in individuals with COL18A1-related conditions. Experimental studies and prediction algorithms are not available or were not evaluated, and the functional significance of this variant is currently unknown. In summary, the available evidence is currently insufficient to determine the role of this variant in disease. Therefore, it has been classified as a Variant of Uncertain Significance.

NM_001379500.1(COL18A1):c.2195C>T (p.Pro732Leu)

Gene: COL18A1 (collagen type XVIII alpha 1 chain; plus strand). Cytogenetic location: 21q22.3.
Variant type: single nucleotide variant.
Coding change: c.2195C>T on transcript NM_001379500.1 (MANE Select); coding-DNA position 2195, C replaced by T.
Protein change: p.Pro732Leu; replaces proline 732 with leucine.
Molecular consequence: missense variant.
Genome position (GRCh38, 1-based): chr21:45,492,694, C>T. VCF-style: chr21-45492694-C-T. GRCh37 (hg19) VCF-style: chr21-46912608-C-T.
Other names: NM_130445.2:c.2195C>T; c.2735C>T, p.Pro912Leu (NM_030582.4); c.3440C>T, p.Pro1147Leu (NM_130444.3); short protein forms P1147L, P732L, P912L.
Identifiers: ClinVar variation 1345264 (VCV001345264.4), dbSNP rs760617633, ClinGen allele CA10066915.